The following is an entry in ClinVar:

NM_020921.4(NIN):c.1082C>T (p.Ala361Val)

Gene: NIN (ninein; minus strand). Cytogenetic location: 14q22.1.
Variant type: single nucleotide variant.
Coding change: c.1082C>T on transcript NM_020921.4 (MANE Select); coding-DNA position 1082, C replaced by T.
Protein change: p.Ala361Val; replaces alanine 361 with valine.
Molecular consequence: missense variant.
Genome position (GRCh38, 1-based): chr14:50,771,368, G>A on the plus strand (C>T on the coding strand, the complement: NIN is on the minus strand). VCF-style: chr14-50771368-G-A. GRCh37 (hg19) VCF-style: chr14-51238086-G-A.
Other names: c.1082C>T, p.Ala361Val (NM_016350.5, NM_182944.3, NM_182946.2); short protein forms A361V.
Identifiers: ClinVar variation 2980987 (VCV002980987.3), dbSNP rs564056446, ClinGen allele CA7182294.

ClinVar aggregate classification (germline): Uncertain significance (1 of 4 stars; one submission).

Allele frequency attached by ClinVar (database versions not stated): gnomAD 0.00001; gnomAD exomes 0.00001; ExAC 0.00002; 1000 Genomes Project 30x 0.00016; 1000 Genomes Project 0.00020.
gnomAD v4.1: 20 of 1,614,190 alleles (0.0012%); highest among the groups gnomAD compares: South Asian, 0.021%; no homozygotes.

Submission:

Labcorp Genetics (formerly Invitae), Labcorp
Classification: Uncertain significance. Last evaluated: 2024-01-02. Review status: criteria provided, single submitter. Criteria: Invitae Variant Classification Sherloc (09022015). Collection method: clinical testing. Allele origin: germline.
Comment: This sequence change replaces alanine, which is neutral and non-polar, with valine, which is neutral and non-polar, at codon 361 of the NIN protein (p.Ala361Val). This variant is present in population databases (rs564056446, gnomAD 0.01%). This variant has not been reported in the literature in individuals affected with NIN-related conditions. An algorithm developed to predict the effect of missense changes on protein structure and function (PolyPhen-2) suggests that this variant is likely to be disruptive. In summary, the available evidence is currently insufficient to determine the role of this variant in disease. Therefore, it has been classified as a Variant of Uncertain Significance.